The following is an entry in ClinVar:

NM_182931.3(KMT2E):c.702A>T (p.Lys234Asn)

Gene: KMT2E (lysine methyltransferase 2E (inactive); plus strand). Cytogenetic location: 7q22.3.
Variant type: single nucleotide variant.
Coding change: c.702A>T on transcript NM_182931.3 (MANE Select); coding-DNA position 702, A replaced by T.
Protein change: p.Lys234Asn; replaces lysine 234 with asparagine.
Molecular consequence: missense variant.
Genome position (GRCh38, 1-based): chr7:105,074,788, A>T. VCF-style: chr7-105074788-A-T. GRCh37 (hg19) VCF-style: chr7-104715235-A-T.
Other names: c.702A>T, p.Lys234Asn (NM_001410908.1, NM_018682.4); short protein forms K234N.
Identifiers: ClinVar variation 3640391 (VCV003640391.3).

ClinVar aggregate classification (germline): Uncertain significance. Review status: criteria provided, multiple submitters, no conflicts (2 of 4 stars). 2 submissions from 2 submitters: Uncertain significance (2). Last evaluated 2024-03-15.

Submissions (2):

Labcorp Genetics (formerly Invitae), Labcorp
Classification: Uncertain significance. Last evaluated: 2024-03-15. Review status: criteria provided, single submitter. Criteria: Invitae Variant Classification Sherloc (09022015). Collection method: clinical testing. Allele origin: germline.
Comment: This sequence change replaces lysine, which is basic and polar, with asparagine, which is neutral and polar, at codon 234 of the KMT2E protein (p.Lys234Asn). This variant is not present in population databases (gnomAD no frequency). This variant has not been reported in the literature in individuals affected with KMT2E-related conditions. Advanced modeling of protein sequence and biophysical properties (such as structural, functional, and spatial information, amino acid conservation, physicochemical variation, residue mobility, and thermodynamic stability) has been performed at Invitae for this missense variant, however the output from this modeling did not meet the statistical confidence thresholds required to predict the impact of this variant on KMT2E protein function. In summary, the available evidence is currently insufficient to determine the role of this variant in disease. Therefore, it has been classified as a Variant of Uncertain Significance.

Blueprint Genetics
Classification: Uncertain significance. Last evaluated: 2020-11-12. Review status: criteria provided, single submitter. Criteria: ACMG Guidelines, 2015. Collection method: clinical testing. Allele origin: germline.